The following is an entry in ClinVar:

NM_001382430.1(AKT1):c.571G>A (p.Glu191Lys)

Gene: AKT1 (AKT serine/threonine kinase 1; minus strand). Cytogenetic location: 14q32.33.
Variant type: single nucleotide variant.
Coding change: c.571G>A on transcript NM_001382430.1 (MANE Select); coding-DNA position 571, G replaced by A.
Protein change: p.Glu191Lys; replaces glutamic acid 191 with lysine.
Molecular consequence: missense variant.
Genome position (GRCh38, 1-based): chr14:104,775,000, C>T on the plus strand (G>A on the coding strand, the complement: AKT1 is on the minus strand). VCF-style: chr14-104775000-C-T. GRCh37 (hg19) VCF-style: chr14-105241337-C-T.
Other names: c.571G>A, p.Glu191Lys (NM_001014431.2, NM_001014432.2, NM_001382431.1 and 3 more transcripts); short protein forms E191K.
Identifiers: ClinVar variation 4036029 (VCV004036029.1).

ClinVar aggregate classification (germline): Uncertain significance (1 of 4 stars; one submission).

Conditions:
Inborn genetic diseases. Identifiers: MedGen C0950123, MeSH D030342.

Submission:

Ambry Genetics
Classification: Uncertain significance for Inborn genetic diseases. Last evaluated: 2025-04-18. Review status: criteria provided, single submitter. Criteria: Ambry Variant Classification Scheme 2023. Collection method: clinical testing. Allele origin: germline.
Comment: The p.E191K variant (also known as c.571G>A), located in coding exon 6 of the AKT1 gene, results from a G to A substitution at nucleotide position 571. The glutamic acid at codon 191 is replaced by lysine, an amino acid with similar properties. This amino acid position is conserved. In addition, this alteration is predicted to be deleterious by in silico analysis. Based on the available evidence, the clinical significance of this variant remains unclear.